The following is an entry in ClinVar:

NM_031935.3(HMCN1):c.15139C>A (p.Gln5047Lys)

Gene: HMCN1 (hemicentin 1; plus strand). Cytogenetic location: 1q31.1.
Variant type: single nucleotide variant.
Coding change: c.15139C>A on transcript NM_031935.3 (MANE Select); coding-DNA position 15139, C replaced by A.
Protein change: p.Gln5047Lys; replaces glutamine 5047 with lysine.
Molecular consequence: missense variant.
Genome position (GRCh38, 1-based): chr1:186,153,870, C>A. VCF-style: chr1-186153870-C-A. GRCh37 (hg19) VCF-style: chr1-186123002-C-A.
Other names: short protein forms Q5047K.
Identifiers: ClinVar variation 2844548 (VCV002844548.3), dbSNP rs2528161762, ClinGen allele CA343924038.

ClinVar aggregate classification (germline): Uncertain significance (1 of 4 stars; one submission).

Allele frequency attached by ClinVar (database versions not stated): gnomAD exomes below 0.00001.
gnomAD v4.1: 2 of 1,614,160 alleles (0.00012%); highest among the groups gnomAD compares: Non-Finnish European, 0.00017%; no homozygotes.

Submission:

Labcorp Genetics (formerly Invitae), Labcorp
Classification: Uncertain significance. Last evaluated: 2024-06-17. Review status: criteria provided, single submitter. Criteria: Invitae Variant Classification Sherloc (09022015). Collection method: clinical testing. Allele origin: germline.
Comment: This sequence change replaces glutamine, which is neutral and polar, with lysine, which is basic and polar, at codon 5047 of the HMCN1 protein (p.Gln5047Lys). This variant is not present in population databases (gnomAD no frequency). This variant has not been reported in the literature in individuals affected with HMCN1-related conditions. An algorithm developed to predict the effect of missense changes on protein structure and function (PolyPhen-2) suggests that this variant is likely to be tolerated. In summary, the available evidence is currently insufficient to determine the role of this variant in disease. Therefore, it has been classified as a Variant of Uncertain Significance.